The following is an entry in ClinVar:

NM_001005361.3(DNM2):c.1857G>A (p.Ser619=)

Gene: DNM2 (dynamin 2; plus strand). Cytogenetic location: 19p13.2.
Variant type: single nucleotide variant.
Coding change: c.1857G>A on transcript NM_001005361.3 (MANE Select); coding-DNA position 1857, G replaced by A.
Protein change: p.Ser619=; no amino-acid change (serine 619 retained).
Molecular consequence: synonymous variant.
Genome position (GRCh38, 1-based): chr19:10,823,863, G>A. VCF-style: chr19-10823863-G-A. GRCh37 (hg19) VCF-style: chr19-10934539-G-A.
Other names: c.1857G>A (NM_001005360.2); c.1857G>A, p.Ser619= (NM_001005360.3, NM_001190716.2); c.1845G>A, p.Ser615= (NM_001005362.3, NM_004945.4).
Identifiers: ClinVar variation 1570372 (VCV001570372.10), dbSNP rs377009386, ClinGen allele CA9201420.
Genomic context (GRCh38, chr19:10,823,863, plus strand): 5'-CCTGCGGCAGATCGAGCTGGCCTGTGACTCCCAGGAAGACGTGGACAGCTGGAAGGCCTC[G>A]TTCCTCCGAGCTGGCGTCTACCCCGAGAAGGACCAGGTGAGGAGCCGTCCTGCGCAGCCA-3'
Protein context (NP_001005361.1, residues 609-629): SQEDVDSWKA[Ser619=]FLRAGVYPEK

ClinVar aggregate classification (germline): Likely benign. Review status: criteria provided, single submitter (1 of 4 stars). 2 submissions from 2 submitters: Likely benign (1). 1 of the submissions does not count toward it. Last evaluated 2026-01-26.

Conditions:
DNM2-related disorder. Also called: DNM2-related condition.
Charcot-Marie-Tooth disease dominant intermediate B (CMTDIB). Also called: Charcot-Marie-Tooth disease dominant intermediate 1; CMT DI1; Charcot-Marie-Tooth disease dominant intermediate I; CHARCOT-MARIE-TOOTH NEUROPATHY, DOMINANT INTERMEDIATE B. Identifiers: Orphanet 100044, Orphanet 228179, MedGen C1847902, MONDO:0011674, OMIM 606482.

Allele frequency attached by ClinVar (database versions not stated): gnomAD 0.00001; TOPMed 0.00002.
gnomAD v4.1: 24 of 1,613,636 alleles (0.0015%); highest among the groups gnomAD compares: Admixed American, 0.01%; no homozygotes.

Submissions (2):

Labcorp Genetics (formerly Invitae), Labcorp
Classification: Likely benign for Charcot-Marie-Tooth disease dominant intermediate B. Last evaluated: 2026-01-26. Review status: criteria provided, single submitter. Criteria: Invitae Variant Classification Sherloc (09022015). Collection method: clinical testing. Allele origin: germline.

PreventionGenetics, part of Exact Sciences
Classification: Likely benign for DNM2-related condition. Last evaluated: 2019-09-11. Review status: no assertion criteria provided. Collection method: clinical testing. Allele origin: germline. Not counted in ClinVar's aggregate classification.
Comment: This variant is classified as likely benign based on ACMG/AMP sequence variant interpretation guidelines (Richards et al. 2015 PMID: 25741868, with internal and published modifications).